The following is an entry in ClinVar:

ClinVar aggregate classification (germline): Pathogenic (1 of 4 stars; one submission).

Allele frequency attached by ClinVar (database versions not stated): TOPMed below 0.00001.

Submission:

Labcorp Genetics (formerly Invitae), Labcorp
Classification: Pathogenic. Last evaluated: 2022-07-05. Review status: criteria provided, single submitter. Criteria: Invitae Variant Classification Sherloc (09022015). Collection method: clinical testing. Allele origin: germline.
Comment: This variant has not been reported in the literature in individuals affected with OTOF-related conditions. For these reasons, this variant has been classified as Pathogenic. ClinVar contains an entry for this variant (Variation ID: 1433377). This variant is not present in population databases (gnomAD no frequency). This sequence change creates a premature translational stop signal (p.Leu1844Argfs*8) in the OTOF gene. It is expected to result in an absent or disrupted protein product. Loss-of-function variants in OTOF are known to be pathogenic (PMID: 18381613, 19250381, 22575033).

Literature cited by the submitters: PubMed 18381613; PubMed 19250381; PubMed 22575033.

NM_194248.3(OTOF):c.5531del (p.Leu1844fs)

Gene: OTOF (otoferlin; minus strand). Cytogenetic location: 2p23.3.
Variant type: Deletion.
Coding change: c.5531del on transcript NM_194248.3 (MANE Select); coding-DNA position 5531, one base deleted (T; older notation c.5531delT).
Protein change: p.Leu1844fs; shifts the reading frame from leucine 1844.
Molecular consequence: frameshift variant.
Genome position (GRCh38, 1-based): chr2:26,461,698, A deleted on the plus strand (T on the coding strand, the reverse complement: OTOF is on the minus strand). VCF-style (leftmost placement, unchanged base first): chr2-26461697-CA-C. GRCh37 (hg19) VCF-style: chr2-26684565-CA-C.
Other names: c.5531del, p.Leu1844fs (NM_001287489.2); c.3230del, p.Leu1077fs (NM_004802.4, NM_194323.3); c.3461del, p.Leu1154fs (NM_194322.3); short protein forms L1154fs, L1844fs, L1077fs.
Identifiers: ClinVar variation 1433377 (VCV001433377.6), dbSNP rs1164047840, ClinGen allele CA767290280.